The following is an entry in ClinVar:

NM_000193.4(SHH):c.775G>A (p.Glu259Lys)

Gene: SHH (sonic hedgehog signaling molecule; minus strand). Cytogenetic location: 7q36.3.
Variant type: single nucleotide variant.
Coding change: c.775G>A on transcript NM_000193.4 (MANE Select); coding-DNA position 775, G replaced by A.
Protein change: p.Glu259Lys; replaces glutamic acid 259 with lysine.
Molecular consequence: missense variant. On other transcripts: intron variant (1).
Genome position (GRCh38, 1-based): chr7:155,803,514, C>T on the plus strand (G>A on the coding strand, the complement: SHH is on the minus strand). VCF-style: chr7-155803514-C-T. GRCh37 (hg19) VCF-style: chr7-155596208-C-T.
Other names: c.301+2782G>A (NM_001310462.2); short protein forms E259K.
Identifiers: ClinVar variation 1046306 (VCV001046306.7), dbSNP rs1201542449, ClinGen allele CA370146091.

ClinVar aggregate classification (germline): Uncertain significance. Review status: criteria provided, multiple submitters, no conflicts (2 of 4 stars). 2 submissions from 2 submitters: Uncertain significance (2). Last evaluated 2026-09-01.

Conditions:
Holoprosencephaly 3 (HPE3). Identifiers: Orphanet 2162, MedGen C1840529, MONDO:0007733, OMIM 142945.

Submissions (2):

CeGaT Center for Human Genetics Tuebingen
Classification: Uncertain significance. Last evaluated: 2026-09-01. Review status: criteria provided, single submitter. Criteria: CeGaT Center For Human Genetics Tuebingen Variant Classification Criteria Version 2. Collection method: clinical testing. Allele origin: germline. Affected: yes. Observed: 1 variant allele.
Comment: SHH: PM2

Labcorp Genetics (formerly Invitae), Labcorp
Classification: Uncertain significance for Holoprosencephaly 3. Last evaluated: 2022-07-28. Review status: criteria provided, single submitter. Criteria: Invitae Variant Classification Sherloc (09022015). Collection method: clinical testing. Allele origin: germline.
Comment: In summary, the available evidence is currently insufficient to determine the role of this variant in disease. Therefore, it has been classified as a Variant of Uncertain Significance. Algorithms developed to predict the effect of missense changes on protein structure and function are either unavailable or do not agree on the potential impact of this missense change (SIFT: "Deleterious"; PolyPhen-2: "Benign"; Align-GVGD: "Class C0"). ClinVar contains an entry for this variant (Variation ID: 1046306). This variant has not been reported in the literature in individuals affected with SHH-related conditions. This variant is not present in population databases (gnomAD no frequency). This sequence change replaces glutamic acid, which is acidic and polar, with lysine, which is basic and polar, at codon 259 of the SHH protein (p.Glu259Lys).